The following is an entry in ClinVar:

ClinVar aggregate classification (germline): Uncertain significance. Review status: criteria provided, multiple submitters, no conflicts (2 of 4 stars). 3 submissions from 3 submitters: Uncertain significance (2). 1 of the submissions does not count toward it. Last evaluated 2025-10-08.

Conditions:
Combined oxidative phosphorylation deficiency. Identifiers: MedGen C4540031, MONDO:0000732.
Charcot-Marie-Tooth Neuropathy X. Identifiers: MedGen CN118851.
Deafness, X-linked 5 (DFNX5). Also called: AUDITORY NEUROPATHY, X-LINKED, 1, WITH PERIPHERAL SENSORY NEUROPATHY; DEAFNESS, X-LINKED 5, WITH PERIPHERAL NEUROPATHY. Identifiers: Orphanet 139583, MedGen C1845095, OMIM 300614.

Allele frequency attached by ClinVar (database versions not stated): ExAC 0.00001; gnomAD 0.00001; gnomAD exomes 0.00001 and 0.00002; TOPMed 0.00001.
gnomAD v4.1: 8 of 1,208,251 alleles (0.00066%); highest among the groups gnomAD compares: Non-Finnish European, 0.0009%; no homozygotes.

Submissions (3):

Women's Health and Genetics/Laboratory Corporation of America, LabCorp
Classification: Uncertain significance. Last evaluated: 2025-10-08. Review status: criteria provided, single submitter. Criteria: LabCorp Variant Classification Summary - May 2015. Collection method: clinical testing. Allele origin: germline.
Comment: Variant summary: AIFM1 c.845C>T (p.Thr282Met) results in a non-conservative amino acid change located in the FAD/NAD(P)-binding domain (IPR023753) of the encoded protein sequence. Algorithms developed to predict the effect of missense changes on protein structure and function are either unavailable or do not agree on the potential impact of this missense change. The variant allele was found at a frequency of 6.6e-06 in 1203195 control chromosomes in the gnomAD database (v4.1 dataset), including 4 hemizygotes. The available data on variant occurrences in the general population are insufficient to allow any conclusion about variant significance. To our knowledge, no occurrence of c.845C>T in individuals affected with AIFM1-related conditions and no experimental evidence demonstrating its impact on protein function have been reported. A different missense change affecting the same amino acid (p.Thr282Arg) has been reported in an affected individual (PMID: 39533303), suggesting a functional importance for the affected residue. ClinVar contains an entry for this variant (Variation ID: 162475). Based on the evidence outlined above, the variant was classified as uncertain significance.

Labcorp Genetics (formerly Invitae), Labcorp
Classification: Uncertain significance for Charcot-Marie-Tooth Neuropathy X; Combined oxidative phosphorylation deficiency. Last evaluated: 2023-05-26. Review status: criteria provided, single submitter. Criteria: Invitae Variant Classification Sherloc (09022015). Collection method: clinical testing. Allele origin: germline.
Comment: In summary, the available evidence is currently insufficient to determine the role of this variant in disease. Therefore, it has been classified as a Variant of Uncertain Significance. Advanced modeling of protein sequence and biophysical properties (such as structural, functional, and spatial information, amino acid conservation, physicochemical variation, residue mobility, and thermodynamic stability) has been performed at Invitae for this missense variant, however the output from this modeling did not meet the statistical confidence thresholds required to predict the impact of this variant on AIFM1 protein function. ClinVar contains an entry for this variant (Variation ID: 162475). This variant has not been reported in the literature in individuals affected with AIFM1-related conditions. This variant is present in population databases (rs724160017, gnomAD 0.005%). This sequence change replaces threonine, which is neutral and polar, with methionine, which is neutral and non-polar, at codon 282 of the AIFM1 protein (p.Thr282Met).

Deafness Gene Diagnosis, Xijing Hospital
Classification: Likely pathogenic for Deafness, X-linked 5. Review status: no assertion criteria provided. Collection method: clinical testing. Allele origin: unknown. Inheritance: Sporadic. Affected: yes. Observed: 1 variant allele, 1 homozygote. Not counted in ClinVar's aggregate classification.
Comment: missense mutation in conserved position, not detected in normal control (118 people), and Mutationtaster predicted as Disease Causing

NM_004208.4(AIFM1):c.845C>T (p.Thr282Met)

Genes: AIFM1 (apoptosis inducing factor mitochondria associated 1; minus strand), RAB33A (RAB33A, member RAS oncogene family; plus strand). Cytogenetic location: Xq26.1.
Variant type: single nucleotide variant.
Coding change: c.845C>T on transcript NM_004208.4 (MANE Select); coding-DNA position 845, C replaced by T.
Protein change: p.Thr282Met; replaces threonine 282 with methionine.
Molecular consequence: missense variant. On other transcripts: non-coding transcript variant (1).
Genome position (GRCh38, 1-based): chrX:130,139,808, G>A on the plus strand (C>T on the coding strand, the complement: AIFM1 is on the minus strand). VCF-style: chrX-130139808-G-A. GRCh37 (hg19) VCF-style: chrX-129273783-G-A.
Other names: c.845C>T, p.Thr282Met (NM_001130847.4); c.833C>T, p.Thr278Met (NM_145812.3); short protein forms T282M, T278M.
Identifiers: ClinVar variation 162475 (VCV000162475.12), dbSNP rs724160017, ClinGen allele CA175058.
Genomic context (GRCh38, chrX:130,139,808, plus strand): 5'-TACTTCTTCAAAAACAACACAAGGAAAACACTAAAGCAGACAATTACCTTTCTGAAAAGC[G>A]TTGTTCTACTCTTCACCTCTGCTCCAGCCCTATCAATGGCAGACAGACTTCTTGGAGTAC-3'
Protein context (NP_004199.1, residues 272-292): RAGAEVKSRT[Thr282Met]LFRKIGDFRS